The following is an entry in ClinVar:

NM_002905.5(RDH5):c.708C>T (p.His236=)

Genes: BLOC1S1-RDH5 (BLOC1S1-RDH5 readthrough; plus strand), CD63 (CD63 molecule; minus strand), RDH5 (retinol dehydrogenase 5; plus strand). Cytogenetic location: 12q13.2.
Variant type: single nucleotide variant.
Coding change: c.708C>T on transcript NM_002905.5 (MANE Select); coding-DNA position 708, C replaced by T.
Protein change: p.His236=; no amino-acid change (histidine 236 retained).
Molecular consequence: synonymous variant. On other transcripts: non-coding transcript variant (1).
Genome position (GRCh38, 1-based): chr12:55,724,024, C>T. VCF-style: chr12-55724024-C-T. GRCh37 (hg19) VCF-style: chr12-56117808-C-T.
Other names: c.708C>T, p.His236= (NM_001199771.3).
Identifiers: ClinVar variation 1659921 (VCV001659921.9), dbSNP rs768696157, ClinGen allele CA6616915.

ClinVar aggregate classification (germline): Likely benign. Review status: criteria provided, multiple submitters, no conflicts (2 of 4 stars). 2 submissions from 2 submitters: Likely benign (2). Last evaluated 2026-07-01.

Allele frequency attached by ClinVar (database versions not stated): gnomAD exomes below 0.00001 and 0.00001; ExAC 0.00001.

Submissions (2):

CeGaT Center for Human Genetics Tuebingen
Classification: Likely benign. Last evaluated: 2026-07-01. Review status: criteria provided, single submitter. Criteria: CeGaT Center For Human Genetics Tuebingen Variant Classification Criteria Version 2. Collection method: clinical testing. Allele origin: germline. Affected: yes. Observed: 1 variant allele.
Comment: RDH5: BP4, BP7

Labcorp Genetics (formerly Invitae), Labcorp
Classification: Likely benign. Last evaluated: 2023-05-20. Review status: criteria provided, single submitter. Criteria: Invitae Variant Classification Sherloc (09022015). Collection method: clinical testing. Allele origin: germline.